The following is an entry in ClinVar:

NM_004937.3(CTNS):c.1045TTC[1] (p.Phe350del)

Gene: CTNS (cystinosin, lysosomal cystine transporter; plus strand). Cytogenetic location: 17p13.2.
Variant type: Microsatellite.
Coding change: c.1045TTC[1] on transcript NM_004937.3 (MANE Select); one copy of the 3-base unit TTC starting at c.1045; the reference has two copies in a row; one copy, 3 bases deleted; also written c.1048_1050del.
Protein change: p.Phe350del; deletes phenylalanine 350.
Molecular consequence: inframe deletion.
Genome position (GRCh38, 1-based): chr17:3,660,313-3,660,315, TTC deleted; deleting any 3 consecutive bases within chr17:3,660,308-3,660,315 gives the same sequence; the position shown is the placement nearest the transcript's 3' end. VCF-style (leftmost placement, unchanged base first): chr17-3660307-GTCT-G. GRCh37 (hg19) VCF-style: chr17-3563601-GTCT-G.
Other names: c.1045TTC[1], p.Phe350del (NM_001031681.3, NM_001374492.1); c.604TTC[1], p.Phe203del (NM_001374493.1, NM_001374494.1, NM_001374495.1 and 1 more transcripts); c.1048_1050del (NM_004937.3); short protein forms F203del, F350del.
Identifiers: ClinVar variation 1042415 (VCV001042415.4), dbSNP rs2076255711, ClinGen allele CA2243978990.

ClinVar aggregate classification (germline): Uncertain significance. Review status: criteria provided, single submitter (1 of 4 stars). 3 submissions from 2 submitters: Uncertain significance (2). 1 of the submissions does not count toward it. Last evaluated 2021-08-27.

Conditions:
Cystinosis. Also called: Cystine diathesis; Cystine storage disease; Cystinoses. Identifiers: Orphanet 213, MedGen C4316899, MONDO:0016239.
Juvenile nephropathic cystinosis. Also called: Intermediate Cystinosis; CYSTINOSIS, LATE-ONSET JUVENILE OR ADOLESCENT NEPHROPATHIC TYPE; Later-Onset (Juvenile) Cystinosis. Identifiers: Orphanet 213, Orphanet 411634, MedGen C0268626, MONDO:0009066, OMIM 219900.
Nephropathic cystinosis (CTNS). Also called: Abderhalden Lignac Kaufmann disease; Abderhalden-Kaufmann-Lignac syndrome; CYSTINOSIN, DEFECT OF; LYSOSOMAL CYSTINE TRANSPORT PROTEIN, DEFECT OF. Identifiers: Orphanet 213, Orphanet 411629, MedGen C2931187, MONDO:0100151, OMIM 219800.
Ocular cystinosis. Also called: Non-Nephropathic Cystinosis; Non-Nephropathic (Ocular) Cystinosis. Identifiers: Orphanet 213, Orphanet 411641, MedGen C2931013, MONDO:0009064, OMIM 219750.
Inborn genetic diseases. Identifiers: MedGen C0950123, MeSH D030342.

Submissions (3):

Labcorp Genetics (formerly Invitae), Labcorp
Classification: Uncertain significance for Inborn genetic diseases; Ocular cystinosis; Juvenile nephropathic cystinosis. Last evaluated: 2021-08-27. Review status: criteria provided, single submitter. Criteria: Invitae Variant Classification Sherloc (09022015). Collection method: clinical testing. Allele origin: germline.
Comment: This variant, c.1048_1050del, results in the deletion of 1 amino acid(s) of the CTNS protein (p.Phe350del), but otherwise preserves the integrity of the reading frame. This variant is not present in population databases (ExAC no frequency). This variant has not been reported in the literature in individuals affected with CTNS-related conditions. Experimental studies and prediction algorithms are not available or were not evaluated, and the functional significance of this variant is currently unknown. In summary, the available evidence is currently insufficient to determine the role of this variant in disease. Therefore, it has been classified as a Variant of Uncertain Significance.

Labcorp Genetics (formerly Invitae), Labcorp
Classification: Uncertain significance for Nephropathic cystinosis; Ocular cystinosis; Juvenile nephropathic cystinosis. Last evaluated: 2020-10-04. Review status: criteria provided, single submitter. Criteria: Invitae Variant Classification Sherloc (09022015). Collection method: clinical testing. Allele origin: germline.
Comment: This variant, c.1048_1050del, results in the deletion of 1 amino acid(s) of the CTNS protein (p.Phe350del), but otherwise preserves the integrity of the reading frame. This variant is not present in population databases (ExAC no frequency). This variant has not been reported in the literature in individuals with CTNS-related conditions. Experimental studies and prediction algorithms are not available or were not evaluated, and the functional significance of this variant is currently unknown. In summary, the available evidence is currently insufficient to determine the role of this variant in disease. Therefore, it has been classified as a Variant of Uncertain Significance.

Natera, Inc.
Classification: Uncertain significance for Cystinosis. Last evaluated: 2021-03-12. Review status: no assertion criteria provided. Collection method: clinical testing. Allele origin: germline. Not counted in ClinVar's aggregate classification.